The following is an entry in ClinVar:

ClinVar aggregate classification (germline): Pathogenic (1 of 4 stars; one submission).

Submission:

Labcorp Genetics (formerly Invitae), Labcorp
Classification: Pathogenic. Last evaluated: 2023-09-27. Review status: criteria provided, single submitter. Criteria: Invitae Variant Classification Sherloc (09022015). Collection method: clinical testing. Allele origin: germline.
Comment: For these reasons, this variant has been classified as Pathogenic. This variant has not been reported in the literature in individuals affected with GORAB-related conditions. This variant is not present in population databases (gnomAD no frequency). This sequence change creates a premature translational stop signal (p.Trp3*) in the GORAB gene. It is expected to result in an absent or disrupted protein product. Loss-of-function variants in GORAB are known to be pathogenic (PMID: 18997784, 19681135).

Literature cited by the submitters: PubMed 18997784; PubMed 19681135.

NC_000001.11:g.170532156G>A

Genes: GORAB (golgin, RAB6 interacting; plus strand), GORAB-AS1 (GORAB antisense RNA 1; minus strand). Cytogenetic location: 1q24.2.
Variant type: single nucleotide variant.
Genome position: GRCh38 VCF-style: chr1-170532156-G-A. GRCh37 (hg19) VCF-style: chr1-170501297-G-A.
Identifiers: ClinVar variation 2712315 (VCV002712315.3), dbSNP rs1322795745, ClinGen allele CA343159762.